The following is an entry in ClinVar:

NM_001127671.2(LIFR):c.2447A>G (p.Asp816Gly)

Gene: LIFR (LIF receptor subunit alpha; minus strand). Cytogenetic location: 5p13.1.
Variant type: single nucleotide variant.
Coding change: c.2447A>G on transcript NM_001127671.2 (MANE Select); coding-DNA position 2447, A replaced by G.
Protein change: p.Asp816Gly; replaces aspartic acid 816 with glycine.
Molecular consequence: missense variant.
Genome position (GRCh38, 1-based): chr5:38,485,869, T>C on the plus strand (A>G on the coding strand, the complement: LIFR is on the minus strand). VCF-style: chr5-38485869-T-C. GRCh37 (hg19) VCF-style: chr5-38485971-T-C.
Other names: c.2447A>G, p.Asp816Gly (NM_001364297.2, NM_001364298.2, NM_002310.6); short protein forms D816G.
Identifiers: ClinVar variation 618196 (VCV000618196.70), dbSNP rs74856317, ClinGen allele CA3242663.

ClinVar aggregate classification (germline): Benign/Likely benign. Review status: criteria provided, multiple submitters, no conflicts (2 of 4 stars). 10 submissions from 10 submitters: Benign (3); Likely benign (6). 1 of the submissions does not count toward it. Last evaluated 2026-02-02.

Conditions:
Stüve-Wiedemann syndrome 1. Also called: STUVE-WIEDEMANN/SCHWARTZ-JAMPEL TYPE 2 SYNDROME. Identifiers: Orphanet 3206, MedGen C5676888, MONDO:0800043, OMIM 601559.
Connective tissue disorder. Also called: Connective tissue disease. Identifiers: MedGen C0009782, MONDO:0003900.
LIFR-related disorder. Also called: LIFR-related condition.
Stuve-Wiedemann syndrome (STWS). Also called: Stüve-Wiedemann syndrome. Identifiers: Orphanet 3206, MedGen C0796176, MONDO:0031280.

Allele frequency attached by ClinVar (database versions not stated): 1000 Genomes Project 0.00080; 1000 Genomes Project 30x 0.00125; gnomAD exomes 0.00278; ExAC 0.00292; ESP Exome Variant Server 0.00400; TOPMed 0.00244; gnomAD 0.00245 and 0.00236.
gnomAD v4.1: 4,843 of 1,614,162 alleles (0.3%); highest among the groups gnomAD compares: Middle Eastern, 1.1%; 21 homozygotes.

Submissions (21):

Labcorp Genetics (formerly Invitae), Labcorp
Classification: Benign. Last evaluated: 2026-02-02. Review status: criteria provided, single submitter. Criteria: Invitae Variant Classification Sherloc (09022015). Collection method: clinical testing. Allele origin: germline.

CeGaT Center for Human Genetics Tuebingen
Classification: Likely benign. Last evaluated: 2025-12-01. Review status: criteria provided, single submitter. Criteria: CeGaT Center For Human Genetics Tuebingen Variant Classification Criteria Version 2. Collection method: clinical testing. Allele origin: germline. Affected: yes. Observed: 6 variant alleles.
Comment: LIFR: BP4, BS2

Blueprint Genetics
Classification: Likely benign. Last evaluated: 2024-11-20. Review status: criteria provided, single submitter. Criteria: ACMG Guidelines, 2015. Collection method: clinical testing. Allele origin: germline.

ARUP Laboratories, Molecular Genetics and Genomics, ARUP Laboratories
Classification: Likely benign for Stüve-Wiedemann syndrome 1. Last evaluated: 2023-02-10. Review status: criteria provided, single submitter. Criteria: ARUP Molecular Germline Variant Investigation Process 2024. Collection method: clinical testing. Allele origin: germline.

Genome Diagnostics Laboratory, The Hospital for Sick Children
Classification: Benign for Connective tissue disorder. Last evaluated: 2022-02-07. Review status: criteria provided, single submitter. Criteria: ACMG Guidelines, 2015. Collection method: clinical testing. Allele origin: germline.

Genome-Nilou Lab
Classification: Benign for Stüve-Wiedemann syndrome 1. Last evaluated: 2021-07-10. Review status: criteria provided, single submitter. Criteria: ACMG Guidelines, 2015. Collection method: clinical testing. Allele origin: germline. Affected: no.

GeneDx
Classification: Likely benign. Last evaluated: 2021-05-12. Review status: criteria provided, single submitter. Criteria: GeneDx Variant Classification Process June 2021. Collection method: clinical testing. Allele origin: germline. Affected: yes.

Illumina Laboratory Services, Illumina
Classification: Likely benign for Stüve-Wiedemann syndrome 1. Last evaluated: 2018-01-12. Review status: criteria provided, single submitter. Criteria: ICSL Variant Classification Criteria 13 December 2019. Collection method: clinical testing. Allele origin: germline.
Comment: This variant was observed in the ICSL laboratory as part of a predisposition screen in an ostensibly healthy population. It had not been previously curated by ICSL or reported in the Human Gene Mutation Database (HGMD: prior to June 1st, 2018), and was therefore a candidate for classification through an automated scoring system. Utilizing variant allele frequency, disease prevalence and penetrance estimates, and inheritance mode, an automated score was calculated to assess if this variant is too frequent to cause the disease. Based on the score and internal cut-off values, a variant classified as likely benign is not then subjected to further curation. The score for this variant resulted in a classification of likely benign for this disease.

Breakthrough Genomics
Classification: Likely benign. Review status: criteria provided, single submitter. Criteria: ACMG Guidelines, 2015. Collection method: not provided. Allele origin: germline. Inheritance: Autosomal recessive inheritance. Affected: yes.

PreventionGenetics, part of Exact Sciences
Classification: Likely benign for LIFR-related condition. Last evaluated: 2021-03-25. Review status: no assertion criteria provided. Collection method: clinical testing. Allele origin: germline. Not counted in ClinVar's aggregate classification.
Comment: This variant is classified as likely benign based on ACMG/AMP sequence variant interpretation guidelines (Richards et al. 2015 PMID: 25741868, with internal and published modifications).

Dr. Peter K. Rogan Lab, Western University
No classification provided (evidence only). Condition: Lung cancer. Review status: no classification provided. Collection method: in vitro. Allele origin: not applicable. Functional consequence: skipped exon, retained intron. Not counted in ClinVar's aggregate classification.

Dr. Peter K. Rogan Lab, Western University
No classification provided (evidence only). Condition: Lung cancer. Review status: no classification provided. Collection method: in vitro. Allele origin: not applicable. Functional consequence: skipped exon, retained intron. Not counted in ClinVar's aggregate classification.

Dr. Peter K. Rogan Lab, Western University
No classification provided (evidence only). Condition: Lung cancer. Review status: no classification provided. Collection method: in vitro. Allele origin: not applicable. Functional consequence: skipped exon, retained intron. Not counted in ClinVar's aggregate classification.

Dr. Peter K. Rogan Lab, Western University
No classification provided (evidence only). Condition: Lung cancer. Review status: no classification provided. Collection method: in vitro. Allele origin: not applicable. Functional consequence: skipped exon, retained intron. Not counted in ClinVar's aggregate classification.

Dr. Peter K. Rogan Lab, Western University
No classification provided (evidence only). Condition: Lung cancer. Review status: no classification provided. Collection method: in vitro. Allele origin: not applicable. Functional consequence: skipped exon. Not counted in ClinVar's aggregate classification.

Dr. Peter K. Rogan Lab, Western University
No classification provided (evidence only). Condition: Melanoma. Review status: no classification provided. Collection method: in vitro. Allele origin: not applicable. Functional consequence: skipped exon. Not counted in ClinVar's aggregate classification.

Dr. Peter K. Rogan Lab, Western University
No classification provided (evidence only). Condition: Melanoma. Review status: no classification provided. Collection method: in vitro. Allele origin: not applicable. Functional consequence: skipped exon, retained intron. Not counted in ClinVar's aggregate classification.

Dr. Peter K. Rogan Lab, Western University
No classification provided (evidence only). Condition: Colon adenocarcinoma. Review status: no classification provided. Collection method: in vitro. Allele origin: not applicable. Functional consequence: retained intron. Not counted in ClinVar's aggregate classification.

Dr. Peter K. Rogan Lab, Western University
No classification provided (evidence only). Condition: Thyroid cancer, nonmedullary, 1. Review status: no classification provided. Collection method: in vitro. Allele origin: not applicable. Functional consequence: retained intron. Not counted in ClinVar's aggregate classification.

Dr. Peter K. Rogan Lab, Western University
No classification provided (evidence only). Condition: Cervical cancer. Review status: no classification provided. Collection method: in vitro. Allele origin: not applicable. Functional consequence: skipped exon, retained intron. Not counted in ClinVar's aggregate classification.

Dr. Peter K. Rogan Lab, Western University
No classification provided (evidence only). Condition: Ovarian serous cystadenocarcinoma. Review status: no classification provided. Collection method: in vitro. Allele origin: not applicable. Functional consequence: retained intron. Not counted in ClinVar's aggregate classification.